The following is an entry in ClinVar:

ClinVar aggregate classification (germline): Uncertain significance. Review status: criteria provided, multiple submitters, no conflicts (2 of 4 stars). 3 submissions from 3 submitters: Uncertain significance (3). Last evaluated 2024-05-28.

Conditions:
Imerslund-Grasbeck syndrome. Also called: ENTEROCYTE COBALAMIN MALABSORPTION; ENTEROCYTE INTRINSIC FACTOR RECEPTOR, DEFECT OF; PERNICIOUS ANEMIA, JUVENILE, DUE TO SELECTIVE INTESTINAL MALABSORPTION OF VITAMIN B12, WITH PROTEINURIA; Imerslund-Gräsbeck syndrome; Megaloblastic anemia due to inborn errors of metabolism. Identifiers: Orphanet 35858, MedGen C4551825, MONDO:0009853.
Imerslund-Grasbeck syndrome type 1 (IGS1). Also called: Imerslund-Gräsbeck syndrome 1; Megaloblastic anemia 1, Finnish type; MEGALOBLASTIC ANEMIA, 1. Identifiers: MedGen C4016819, MONDO:0100156, OMIM 261100.
Proteinuria, chronic benign. Identifiers: MedGen C5394384, MONDO:0030042, OMIM 618884.

Allele frequency attached by ClinVar (database versions not stated): TOPMed 0.00009; 1000 Genomes Project 0.00080; ExAC 0.00006; 1000 Genomes Project 30x 0.00078; gnomAD 0.00011.
gnomAD v4.1: 110 of 1,614,082 alleles (0.0068%); highest among the groups gnomAD compares: East Asian, 0.16%; 1 homozygote.

Submissions (3):

Fulgent Genetics
Classification: Uncertain significance for Imerslund-Grasbeck syndrome type 1; Proteinuria, chronic benign. Last evaluated: 2024-05-28. Review status: criteria provided, single submitter. Criteria: ACMG Guidelines, 2015. Collection method: clinical testing. Allele origin: germline.

GeneDx
Classification: Uncertain significance. Last evaluated: 2024-04-11. Review status: criteria provided, single submitter. Criteria: GeneDx Variant Classification Process June 2021. Collection method: clinical testing. Allele origin: germline. Affected: yes.
Comment: In silico analysis supports that this missense variant has a deleterious effect on protein structure/function; Has not been previously published as pathogenic or benign to our knowledge

Labcorp Genetics (formerly Invitae), Labcorp
Classification: Uncertain significance for Imerslund-Grasbeck syndrome. Last evaluated: 2022-08-14. Review status: criteria provided, single submitter. Criteria: Invitae Variant Classification Sherloc (09022015). Collection method: clinical testing. Allele origin: germline.
Comment: This sequence change replaces proline, which is neutral and non-polar, with leucine, which is neutral and non-polar, at codon 2485 of the CUBN protein (p.Pro2485Leu). This variant is present in population databases (rs199841930, gnomAD 0.03%). This variant has not been reported in the literature in individuals affected with CUBN-related conditions. Algorithms developed to predict the effect of missense changes on protein structure and function are either unavailable or do not agree on the potential impact of this missense change (SIFT: "Tolerated"; PolyPhen-2: "Probably Damaging"; Align-GVGD: "Class C0"). In summary, the available evidence is currently insufficient to determine the role of this variant in disease. Therefore, it has been classified as a Variant of Uncertain Significance.

NM_001081.4(CUBN):c.7454C>T (p.Pro2485Leu)

Gene: CUBN (cubilin; minus strand). Cytogenetic location: 10p13.
Variant type: single nucleotide variant.
Coding change: c.7454C>T on transcript NM_001081.4 (MANE Select); coding-DNA position 7454, C replaced by T.
Protein change: p.Pro2485Leu; replaces proline 2485 with leucine.
Molecular consequence: missense variant.
Genome position (GRCh38, 1-based): chr10:16,913,890, G>A on the plus strand (C>T on the coding strand, the complement: CUBN is on the minus strand). VCF-style: chr10-16913890-G-A. GRCh37 (hg19) VCF-style: chr10-16955889-G-A.
Other names: short protein forms P2485L.
Identifiers: ClinVar variation 2144958 (VCV002144958.3), dbSNP rs199841930, ClinGen allele CA5423358.
Genomic context (GRCh38, chr10:16,913,890, plus strand): 5'-CAGGACGGATGCGTGGCCAGCCTCAGGTTGTTAAACATTAGGGTGATCCGCCTTCCCTCC[G>A]GGGCAGTGATTCTCCACTCGCAGATCCGGCCATGAGGATTTGGGTTCGGGTAGTTGGGAG-3'
Protein context (NP_001072.2, residues 2475-2495): GRICEWRITA[Pro2485Leu]EGRRITLMFN